The following is an entry in ClinVar:

NC_000023.10:g.(?_22113485)_(22117289_?)del

Gene: PHEX (phosphate regulating endopeptidase X-linked; plus strand). Cytogenetic location: Xp22.11.
Variant type: Deletion.
Identifiers: ClinVar variation 2423108 (VCV002423108.4).

ClinVar aggregate classification (germline): Pathogenic (1 of 4 stars; one submission).

Submission:

Labcorp Genetics (formerly Invitae), Labcorp
Classification: Pathogenic. Last evaluated: 2022-04-15. Review status: criteria provided, single submitter. Criteria: Invitae Variant Classification Sherloc (09022015). Collection method: clinical testing. Allele origin: germline.
Comment: This variant is a gross deletion of the genomic region encompassing exon(s) 8-9 of the PHEX gene. This deletion is out-of-frame, and is expected to create a premature termination codon and result in an absent or disrupted protein product. Loss-of-function variants in PHEX are known to be pathogenic (PMID: 9097956, 9106524, 19219621). A similar copy number variant has been observed in individual(s) with hypophosphatemic rickets (PMID: 34434907). For these reasons, this variant has been classified as Pathogenic.

Literature cited by the submitters: PubMed 9097956; PubMed 9106524; PubMed 19219621; PubMed 34434907.